The following is an entry in ClinVar:

NM_001015880.2(PAPSS2):c.814A>T (p.Met272Leu)

Gene: PAPSS2 (3'-phosphoadenosine 5'-phosphosulfate synthase 2; plus strand). Cytogenetic location: 10q23.31.
Variant type: single nucleotide variant.
Coding change: c.814A>T on transcript NM_001015880.2 (MANE Select); coding-DNA position 814, A replaced by T.
Protein change: p.Met272Leu; replaces methionine 272 with leucine.
Molecular consequence: missense variant.
Genome position (GRCh38, 1-based): chr10:87,715,792, A>T. VCF-style: chr10-87715792-A-T. GRCh37 (hg19) VCF-style: chr10-89475549-A-T.
Other names: c.814A>T, p.Met272Leu (NM_004670.4); short protein forms M272L.
Identifiers: ClinVar variation 2737479 (VCV002737479.3), dbSNP rs2492828810, ClinGen allele CA377488432.

ClinVar aggregate classification (germline): Uncertain significance (1 of 4 stars; one submission).

Conditions:
Spondyloepimetaphyseal dysplasia, PAPSS2 type. Also called: SEMD, PAKISTANI TYPE; BRACHYOLMIA TYPE 4 WITH MILD EPIPHYSEAL AND METAPHYSEAL CHANGES; SPONDYLODYSPLASIA AND PREMATURE PUBARCHE. Identifiers: Orphanet 93282, MedGen C2748516, MONDO:0019666, OMIM 612847.

Submission:

Labcorp Genetics (formerly Invitae), Labcorp
Classification: Uncertain significance for Spondyloepimetaphyseal dysplasia, PAPSS2 type. Last evaluated: 2023-09-25. Review status: criteria provided, single submitter. Criteria: Invitae Variant Classification Sherloc (09022015). Collection method: clinical testing. Allele origin: germline.
Comment: This variant has not been reported in the literature in individuals affected with PAPSS2-related conditions. In summary, the available evidence is currently insufficient to determine the role of this variant in disease. Therefore, it has been classified as a Variant of Uncertain Significance. An algorithm developed to predict the effect of missense changes on protein structure and function (PolyPhen-2) suggests that this variant is likely to be tolerated. This variant is not present in population databases (gnomAD no frequency). This sequence change replaces methionine, which is neutral and non-polar, with leucine, which is neutral and non-polar, at codon 272 of the PAPSS2 protein (p.Met272Leu).